The following is an entry in ClinVar:

NM_020203.6(MEPE):c.265T>C (p.Tyr89His)

Genes: MEPE (matrix extracellular phosphoglycoprotein; plus strand), MEPE-AS1 (MEPE and IBSP antisense RNA 1; minus strand). Cytogenetic location: 4q22.1.
Variant type: single nucleotide variant.
Coding change: c.265T>C on transcript NM_020203.6 (MANE Select); coding-DNA position 265, T replaced by C.
Protein change: p.Tyr89His; replaces tyrosine 89 with histidine.
Molecular consequence: missense variant. On other transcripts: 5 prime UTR variant (3).
Genome position (GRCh38, 1-based): chr4:87,845,133, T>C. VCF-style: chr4-87845133-T-C. GRCh37 (hg19) VCF-style: chr4-88766285-T-C.
Other names: c.358T>C (NM_001291183.1); c.265T>C, p.Tyr89His (NM_001184694.3); c.-75T>C (NM_001184695.4, NM_001184696.2, NM_001184697.2); c.358T>C, p.Tyr120His (NM_001291183.2); short protein forms Y120H, Y89H.
Identifiers: ClinVar variation 2380551 (VCV002380551.3), dbSNP rs372153135, ClinGen allele CA3002628.

ClinVar aggregate classification (germline): Uncertain significance. Review status: criteria provided, multiple submitters, no conflicts (2 of 4 stars). 2 submissions from 2 submitters: Uncertain significance (2). Last evaluated 2025-06-27.

Conditions:
MEPE-related disorder. Also called: MEPE-related condition.

Allele frequency attached by ClinVar (database versions not stated): TOPMed 0.00005; ExAC 0.00007; gnomAD 0.00007; ESP Exome Variant Server 0.00008.
gnomAD v4.1: 80 of 1,613,594 alleles (0.005%); highest among the groups gnomAD compares: Middle Eastern, 0.15%; no homozygotes.

Submissions (2):

PreventionGenetics, part of Exact Sciences
Classification: Uncertain significance for MEPE-related condition. Last evaluated: 2025-06-27. Review status: criteria provided, single submitter. Criteria: ACMG Guidelines, 2015. Collection method: clinical testing. Allele origin: germline.
Comment: The MEPE c.358T>C variant is predicted to result in the amino acid substitution p.Tyr120His. To our knowledge, this variant has not been reported in the literature. This variant is reported in 0.011% of alleles in individuals of European (Non-Finnish) descent in gnomAD. At this time, the clinical significance of this variant is uncertain due to the absence of conclusive functional and genetic evidence.

Ambry Genetics
Classification: Uncertain significance. Last evaluated: 2021-08-12. Review status: criteria provided, single submitter. Criteria: Ambry Variant Classification Scheme 2023. Collection method: clinical testing. Allele origin: germline.